The following is an entry in ClinVar:

ClinVar aggregate classification (germline): Conflicting classifications of pathogenicity. Review status: criteria provided, conflicting classifications (1 of 4 stars). 4 submissions from 4 submitters: Uncertain significance (3); Likely benign (1). Last evaluated 2026-01-17.

Conditions:
Familial thoracic aortic aneurysm and aortic dissection (TAAD). Also called: Thoracic aortic aneurysms and dissections. Identifiers: Orphanet 91387, MedGen C4707243, MONDO:0019625.
Shprintzen-Goldberg syndrome (SGS). Also called: CRANIOSYNOSTOSIS WITH ARACHNODACTYLY AND ABDOMINAL HERNIAS; Marfanoid disorder with craniosynostosis type 1; Marfanoid craniosynostosis syndrome; Shprintzen-Goldberg marfanoid syndrome; SHPRINTZEN-GOLDBERG CRANIOSYNOSTOSIS SYNDROME. Identifiers: Orphanet 2462, MedGen C1321551, MONDO:0008426, OMIM 182212.

Allele frequency attached by ClinVar (database versions not stated): gnomAD exomes 0.00003 and 0.00001; TOPMed 0.00001; gnomAD 0.00001.
gnomAD v4.1: 50 of 1,540,530 alleles (0.0032%); highest among the groups gnomAD compares: Non-Finnish European, 0.004%; no homozygotes.

Submissions (4):

Labcorp Genetics (formerly Invitae), Labcorp
Classification: Likely benign for Shprintzen-Goldberg syndrome. Last evaluated: 2026-01-17. Review status: criteria provided, single submitter. Criteria: Invitae Variant Classification Sherloc (09022015). Collection method: clinical testing. Allele origin: germline.

Ambry Genetics
Classification: Uncertain significance for Familial thoracic aortic aneurysm and aortic dissection. Last evaluated: 2021-12-16. Review status: criteria provided, single submitter. Criteria: Ambry Variant Classification Scheme 2023. Collection method: clinical testing. Allele origin: germline.
Comment: The p.W710R variant (also known as c.2128T>C), located in coding exon 7 of the SKI gene, results from a T to C substitution at nucleotide position 2128. The tryptophan at codon 710 is replaced by arginine, an amino acid with dissimilar properties. This amino acid position is conserved. In addition, the in silico prediction for this alteration is inconclusive. Since supporting evidence is limited at this time, the clinical significance of this alteration remains unclear.

Baylor Genetics
Classification: Uncertain significance for Shprintzen-Goldberg syndrome. Last evaluated: 2018-08-24. Review status: criteria provided, single submitter. Criteria: ACMG Guidelines, 2015. Collection method: clinical testing. Allele origin: maternal. Affected: yes.
Comment: This variant was determined to be of uncertain significance according to ACMG Guidelines, 2015 [PMID:25741868].

GeneDx
Classification: Uncertain significance. Last evaluated: 2017-12-04. Review status: criteria provided, single submitter. Criteria: GeneDx Variant Classification (06012015). Collection method: clinical testing. Allele origin: germline. Affected: yes.
Comment: p.Trp710Arg (TGG>CGG): c.2128 T>C in exon 7 of the SKI gene (NM_003036.3) A variant of unknown significance has been identified in the SKI gene. The W710R variant has not been published as a mutation or been reported as a benign polymorphism to our knowledge. The W710R variant was not observed in approximately 4600 individuals of European and African American ancestry in the NHLBI Exome Sequencing Project, indicating it is not a common benign variant in these populations. Additionally, the W710R variant is a non-conservative amino acid substitution, which is likely to impact secondary protein structure as these residues differ in polarity, charge, size and/or other properties. However, this substitution occurs at a position that is not conserved across species. In silico analysis is inconsistent in its predictions as to whether or not the variant is damaging to the protein structure/function. Furthermore, missense mutations in nearby residues have not been reported, indicating that this region of the protein may be tolerant of change. Therefore, based on the currently available information, it is unclear whether this variant is a pathogenic mutation or a rare benign variant. This variant was found in TAADV2-1

NM_003036.4(SKI):c.2128T>C (p.Trp710Arg)

Gene: SKI (SKI proto-oncogene; plus strand). Cytogenetic location: 1p36.32.
Variant type: single nucleotide variant.
Coding change: c.2128T>C on transcript NM_003036.4 (MANE Select); coding-DNA position 2128, T replaced by C.
Protein change: p.Trp710Arg; replaces tryptophan 710 with arginine.
Molecular consequence: missense variant.
Genome position (GRCh38, 1-based): chr1:2,306,706, T>C. VCF-style: chr1-2306706-T-C. GRCh37 (hg19) VCF-style: chr1-2238145-T-C.
Other names: p.W710R:TGG>CGG; short protein forms W710R.
Identifiers: ClinVar variation 213710 (VCV000213710.7), dbSNP rs863223728, ClinGen allele CA321244.
Genomic context (GRCh38, chr1:2,306,706, plus strand): 5'-CGGGAGCGCGAGGCCCGGGAGCACCTGGAGAAGGTGGTGAAGGAGCTGCAGGAACAGCTG[T>C]GGCCGCGGGCCCGCCCCGAGGCTGCGGGCAGCGAGGGCGCTGCGGAGCTGGAGCCGTAGA-3'
Protein context (NP_003027.1, residues 700-720): KVVKELQEQL[Trp710Arg]PRARPEAAGS